The following is an entry in ClinVar:

NM_016006.6(ABHD5):c.145A>G (p.Thr49Ala)

Gene: ABHD5 (abhydrolase domain containing 5, lysophosphatidic acid acyltransferase; plus strand). Cytogenetic location: 3p21.33.
Variant type: single nucleotide variant.
Coding change: c.145A>G on transcript NM_016006.6 (MANE Select); coding-DNA position 145, A replaced by G.
Protein change: p.Thr49Ala; replaces threonine 49 with alanine.
Molecular consequence: missense variant. On other transcripts: non-coding transcript variant (1).
Genome position (GRCh38, 1-based): chr3:43,702,226, A>G. VCF-style: chr3-43702226-A-G. GRCh37 (hg19) VCF-style: chr3-43743718-A-G.
Other names: c.145A>G, p.Thr49Ala (NM_001355186.2, NM_001365650.1); c.22A>G, p.Thr8Ala (NM_001365649.1); short protein forms T8A, T49A.
Identifiers: ClinVar variation 1905927 (VCV001905927.3), dbSNP rs141184431, ClinGen allele CA2341289.
Genomic context (GRCh38, chr3:43,702,226, plus strand): 5'-CTCAGAAGTAATAAAATGAAACAGAATTTCTCTTTTATGTTTTCATTAGGTGTGCCTTGC[A>G]CATACAAAAAAGAACCTGTTCGTATATCTAATGGAAATAAAATATGGACACTGAAGTTCT-3'
Protein context (NP_057090.2, residues 39-59): EEKMLKCVPC[Thr49Ala]YKKEPVRISN

ClinVar aggregate classification (germline): Uncertain significance. Review status: criteria provided, multiple submitters, no conflicts (2 of 4 stars). 2 submissions from 2 submitters: Uncertain significance (2). Last evaluated 2022-07-15.

Conditions:
Inborn genetic diseases. Identifiers: MedGen C0950123, MeSH D030342.

Allele frequency attached by ClinVar (database versions not stated): gnomAD 0.00003; gnomAD exomes 0.00003; TOPMed 0.00003; ExAC 0.00007; ESP Exome Variant Server 0.00008.
gnomAD v4.1: 49 of 1,589,240 alleles (0.0031%); highest among the groups gnomAD compares: Non-Finnish European, 0.0017%; no homozygotes.

Submissions (2):

Labcorp Genetics (formerly Invitae), Labcorp
Classification: Uncertain significance. Last evaluated: 2022-07-15. Review status: criteria provided, single submitter. Criteria: Invitae Variant Classification Sherloc (09022015). Collection method: clinical testing. Allele origin: germline.
Comment: This sequence change replaces threonine, which is neutral and polar, with alanine, which is neutral and non-polar, at codon 49 of the ABHD5 protein (p.Thr49Ala). This variant is present in population databases (rs141184431, gnomAD 0.09%). This variant has not been reported in the literature in individuals affected with ABHD5-related conditions. Algorithms developed to predict the effect of missense changes on protein structure and function (SIFT, PolyPhen-2, Align-GVGD) all suggest that this variant is likely to be tolerated. In summary, the available evidence is currently insufficient to determine the role of this variant in disease. Therefore, it has been classified as a Variant of Uncertain Significance.

Ambry Genetics
Classification: Uncertain significance for Inborn genetic diseases. Last evaluated: 2022-06-29. Review status: criteria provided, single submitter. Criteria: Ambry Variant Classification Scheme 2023. Collection method: clinical testing. Allele origin: germline.